The following is an entry in ClinVar:

NM_001145809.2(MYH14):c.5000G>A (p.Arg1667Gln)

Gene: MYH14 (myosin heavy chain 14; plus strand). Cytogenetic location: 19q13.33.
Variant type: single nucleotide variant.
Coding change: c.5000G>A on transcript NM_001145809.2 (MANE Select); coding-DNA position 5000, G replaced by A.
Protein change: p.Arg1667Gln; replaces arginine 1667 with glutamine.
Molecular consequence: missense variant.
Genome position (GRCh38, 1-based): chr19:50,290,921, G>A. VCF-style: chr19-50290921-G-A. GRCh37 (hg19) VCF-style: chr19-50794178-G-A.
Other names: c.4877G>A (NM_024729.3); c.4901G>A, p.Arg1634Gln (NM_001077186.2); c.4877G>A, p.Arg1626Gln (NM_024729.4); short protein forms R1634Q, R1667Q, R1626Q.
Identifiers: ClinVar variation 1432126 (VCV001432126.9), dbSNP rs766573893, ClinGen allele CA9593662.

ClinVar aggregate classification (germline): Uncertain significance. Review status: criteria provided, multiple submitters, no conflicts (2 of 4 stars). 2 submissions from 2 submitters: Uncertain significance (2). Last evaluated 2024-09-23.

Allele frequency attached by ClinVar (database versions not stated): gnomAD 0.00001; gnomAD exomes 0.00001 and 0.00004; TOPMed 0.00003; ExAC 0.00011.
gnomAD v4.1: 18 of 1,578,518 alleles (0.0011%); highest among the groups gnomAD compares: Admixed American, 0.0037%; no homozygotes.

Submissions (2):

GeneDx
Classification: Uncertain significance. Last evaluated: 2024-09-23. Review status: criteria provided, single submitter. Criteria: GeneDx Variant Classification Process June 2021. Collection method: clinical testing. Allele origin: germline. Affected: yes.
Comment: In silico analysis supports that this missense variant has a deleterious effect on protein structure/function; Has not been previously published as pathogenic or benign to our knowledge

Labcorp Genetics (formerly Invitae), Labcorp
Classification: Uncertain significance. Last evaluated: 2021-05-27. Review status: criteria provided, single submitter. Criteria: Invitae Variant Classification Sherloc (09022015). Collection method: clinical testing. Allele origin: germline.
Comment: In summary, the available evidence is currently insufficient to determine the role of this variant in disease. Therefore, it has been classified as a Variant of Uncertain Significance. Algorithms developed to predict the effect of missense changes on protein structure and function are either unavailable or do not agree on the potential impact of this missense change (SIFT: "Deleterious"; PolyPhen-2: "Benign"; Align-GVGD: "Class C35"). This variant has been observed in one or more individuals who were not affected with nonsyndromic deafness or peripheral neuropathy, myopathy, hoarseness, and hearing loss (Invitae). This variant is present in population databases (rs766573893, ExAC 0.02%). This sequence change replaces arginine with glutamine at codon 1626 of the MYH14 protein (p.Arg1626Gln). The arginine residue is highly conserved and there is a small physicochemical difference between arginine and glutamine.